The following is an entry in ClinVar:

ClinVar aggregate classification (germline): Likely pathogenic (1 of 4 stars; one submission).

Conditions:
Spermatogenic failure 14 (SPGF14). Identifiers: MedGen C4014454, MONDO:0014366, OMIM 615842.

gnomAD v4.1: 38 of 1,613,368 alleles (0.0024%); highest among the groups gnomAD compares: Non-Finnish European, 0.0032%; no homozygotes.

Submission:

MVZ Medizinische Genetik Mainz
Classification: Likely pathogenic for Spermatogenic failure 14. Last evaluated: 2026-09-02. Review status: criteria provided, single submitter. Criteria: UK Practice Guidelines For Variant Classification V4 01 2020. Collection method: clinical testing. Allele origin: germline. Inheritance: Autosomal recessive inheritance. Affected: yes. Observed: 1 variant allele.
Comment: ACMG Criteria: PVS1,PM2_SUP

NM_001136046.3(ZMYND15):c.729G>A (p.Trp243Ter)

Gene: ZMYND15 (zinc finger MYND-type containing 15; plus strand). Cytogenetic location: 17p13.2.
Variant type: single nucleotide variant.
Coding change: c.729G>A on transcript NM_001136046.3 (MANE Select); coding-DNA position 729, G replaced by A.
Protein change: p.Trp243Ter; replaces tryptophan 243 with a stop codon.
Molecular consequence: nonsense.
Genome position (GRCh38, 1-based): chr17:4,741,718, G>A. VCF-style: chr17-4741718-G-A. GRCh37 (hg19) VCF-style: chr17-4645013-G-A.
Other names: c.729G>A, p.Trp243Ter (NM_001267822.1, NM_032265.2); short protein forms W243*.
Identifiers: ClinVar variation 5010183 (VCV005010183.1).
Genomic context (GRCh38, chr17:4,741,718, plus strand): 5'-AGTGGATGGAGCCCAGGGAACCGCAAGCTGGGGCTCAGGGACCAAGGACCTGGCTCCTTG[G>A]GCCTATGCTCTCCTCTGTCACAGCATGGCCTGTCCCATGGGCTCTGGGGATCCCCGAAAG-3'